The following is an entry in ClinVar:

ClinVar aggregate classification (germline): Uncertain significance (1 of 4 stars; one submission).

Conditions:
Singleton-Merten syndrome 1 (SGMRT1). Also called: Widened medullary cavities of bone, aortic calcification, abnormal dentition, and muscular weakness; Syndrome of widened medullary cavities of the metacarpals and phalanges, aortic calcification and abnormal dentition. Identifiers: Orphanet 85191, MedGen C4225427, MONDO:0024535, OMIM 182250.
Aicardi-Goutieres syndrome 7 (AGS7). Identifiers: Orphanet 51, MedGen C3888244, MONDO:0014367, OMIM 615846.

Submission:

Labcorp Genetics (formerly Invitae), Labcorp
Classification: Uncertain significance for Aicardi-Goutieres syndrome 7; Singleton-Merten syndrome 1. Last evaluated: 2025-07-06. Review status: criteria provided, single submitter. Criteria: Invitae Variant Classification Sherloc (09022015). Collection method: clinical testing. Allele origin: germline.
Comment: This sequence change replaces aspartic acid, which is acidic and polar, with glutamic acid, which is acidic and polar, at codon 290 of the IFIH1 protein (p.Asp290Glu). This variant is not present in population databases (gnomAD no frequency). This variant has not been reported in the literature in individuals affected with IFIH1-related conditions. An algorithm developed to predict the effect of missense changes on protein structure and function outputs the following: PolyPhen-2: "Benign". The glutamic acid amino acid residue is found in multiple mammalian species, which suggests that this missense change does not adversely affect protein function. In summary, the available evidence is currently insufficient to determine the role of this variant in disease. Therefore, it has been classified as a Variant of Uncertain Significance.

NM_022168.4(IFIH1):c.870T>G (p.Asp290Glu)

Gene: IFIH1 (interferon induced with helicase C domain 1; minus strand). Cytogenetic location: 2q24.2.
Variant type: single nucleotide variant.
Coding change: c.870T>G on transcript NM_022168.4 (MANE Select); coding-DNA position 870, T replaced by G.
Protein change: p.Asp290Glu; replaces aspartic acid 290 with glutamic acid.
Molecular consequence: missense variant.
Genome position (GRCh38, 1-based): chr2:162,293,568, A>C on the plus strand (T>G on the coding strand, the complement: IFIH1 is on the minus strand). VCF-style: chr2-162293568-A-C. GRCh37 (hg19) VCF-style: chr2-163150078-A-C.
Other names: short protein forms D290E.
Identifiers: ClinVar variation 4789324 (VCV004789324.1).
Genomic context (GRCh38, chr2:162,293,568, plus strand): 5'-ACTATATGGCGTCTTATTTCACACTTTTTAAGGTTTACACAACAGTTAGGCAGTACCTGA[A>C]TCACTTCCCATGGTGCCTGAATCACTGCCCATGTTGCTGTTATGTCCAAGACTTTCATCT-3'
Protein context (NP_071451.2, residues 280-300): MGSDSGTMGS[Asp290Glu]SDEENVAARA